The following is an entry in ClinVar:

NM_004304.5(ALK):c.3383G>A (p.Gly1128Glu)

Gene: ALK (ALK receptor tyrosine kinase; minus strand). Cytogenetic location: 2p23.2.
Variant type: single nucleotide variant.
Coding change: c.3383G>A on transcript NM_004304.5 (MANE Select); coding-DNA position 3383, G replaced by A.
Protein change: p.Gly1128Glu; replaces glycine 1128 with glutamic acid.
Molecular consequence: missense variant.
Genome position (GRCh38, 1-based): chr2:29,222,584, C>T on the plus strand (G>A on the coding strand, the complement: ALK is on the minus strand). VCF-style: chr2-29222584-C-T. GRCh37 (hg19) VCF-style: chr2-29445450-C-T.
Other names: c.3383G>A (NM_004304.4); c.179G>A, p.Gly60Glu (NM_001353765.2); short protein forms G60E, G1128E.
Identifiers: ClinVar variation 2713569 (VCV002713569.5), dbSNP rs113994088, ClinGen allele CA346464122.

ClinVar aggregate classification (germline): Uncertain significance. Review status: criteria provided, multiple submitters, no conflicts (2 of 4 stars). 3 submissions from 3 submitters: Uncertain significance (3). Last evaluated 2026-05-15.

Conditions:
Hereditary cancer-predisposing syndrome. Also called: Tumor predisposition; Hereditary neoplastic syndrome; Neoplastic Syndromes, Hereditary; Hereditary Cancer Syndrome. Identifiers: Orphanet 140162, MedGen C0027672, MeSH D009386, MONDO:0015356.
Neuroblastoma, susceptibility to, 3. Also called: ALK-Related Neuroblastic Tumor Susceptibility. Identifiers: Orphanet 635, MedGen C2751681, MONDO:0013083, OMIM 613014.

Submissions (3):

Ambry Genetics
Classification: Uncertain significance for Hereditary cancer-predisposing syndrome. Last evaluated: 2026-05-15. Review status: criteria provided, single submitter. Criteria: Ambry Variant Classification Scheme 2023. Collection method: clinical testing. Allele origin: germline.
Comment: The p.G1128E variant (also known as c.3383G>A), located in coding exon 21 of the ALK gene, results from a G to A substitution at nucleotide position 3383. The glycine at codon 1128 is replaced by glutamic acid, an amino acid with similar properties. This amino acid position is conserved. In addition, this alteration is predicted to be deleterious by in silico analysis. Based on the available evidence, the clinical significance of this variant remains unclear.

Labcorp Genetics (formerly Invitae), Labcorp
Classification: Uncertain significance for Neuroblastoma, susceptibility to, 3. Last evaluated: 2024-12-18. Review status: criteria provided, single submitter. Criteria: Invitae Variant Classification Sherloc (09022015). Collection method: clinical testing. Allele origin: germline.
Comment: This sequence change replaces glycine, which is neutral and non-polar, with glutamic acid, which is acidic and polar, at codon 1128 of the ALK protein (p.Gly1128Glu). This variant is not present in population databases (gnomAD no frequency). This variant has not been reported in the literature in individuals affected with ALK-related conditions. ClinVar contains an entry for this variant (Variation ID: 2713569). An algorithm developed to predict the effect of missense changes on protein structure and function (PolyPhen-2) suggests that this variant is likely to be disruptive. This variant disrupts the p.Gly1128 amino acid residue in ALK. Other variant(s) that disrupt this residue have been determined to be pathogenic (PMID: 18724359). This suggests that this residue is clinically significant, and that variants that disrupt this residue are likely to be disease-causing. In summary, the available evidence is currently insufficient to determine the role of this variant in disease. Therefore, it has been classified as a Variant of Uncertain Significance.

GeneDx
Classification: Uncertain significance. Last evaluated: 2023-11-14. Review status: criteria provided, single submitter. Criteria: GeneDx Variant Classification Process June 2021. Collection method: clinical testing. Allele origin: germline. Affected: yes.
Comment: Not observed at significant frequency in large population cohorts (gnomAD); In silico analysis supports that this missense variant has a deleterious effect on protein structure/function; Has not been previously published as pathogenic or benign to our knowledge

Literature cited by the submitters: PubMed 18724359 (cited by Labcorp Genetics (formerly Invitae), Labcorp).